The following is an entry in ClinVar:

NM_007325.5(GRIA3):c.1009G>A (p.Ala337Thr)

Gene: GRIA3 (glutamate ionotropic receptor AMPA type subunit 3; plus strand). Cytogenetic location: Xq25.
Variant type: single nucleotide variant.
Coding change: c.1009G>A on transcript NM_007325.5 (MANE Select); coding-DNA position 1009, G replaced by A.
Protein change: p.Ala337Thr; replaces alanine 337 with threonine.
Molecular consequence: missense variant.
Genome position (GRCh38, 1-based): chrX:123,398,732, G>A. VCF-style: chrX-123398732-G-A. GRCh37 (hg19) VCF-style: chrX-122532583-G-A.
Other names: c.1009G>A, p.Ala337Thr (NM_000828.5); short protein forms A337T.
Identifiers: ClinVar variation 1794702 (VCV001794702.8), dbSNP rs2521156437, ClinGen allele CA414258189.

ClinVar aggregate classification (germline): Uncertain significance. Review status: criteria provided, multiple submitters, no conflicts (2 of 4 stars). 2 submissions from 2 submitters: Uncertain significance (2). Last evaluated 2024-10-24.

Conditions:
Inborn genetic diseases. Identifiers: MedGen C0950123, MeSH D030342.

Submissions (2):

Ambry Genetics
Classification: Uncertain significance for Inborn genetic diseases. Last evaluated: 2024-10-24. Review status: criteria provided, single submitter. Criteria: Ambry Variant Classification Scheme 2023. Collection method: clinical testing. Allele origin: germline.

Labcorp Genetics (formerly Invitae), Labcorp
Classification: Uncertain significance. Last evaluated: 2024-02-11. Review status: criteria provided, single submitter. Criteria: Invitae Variant Classification Sherloc (09022015). Collection method: clinical testing. Allele origin: germline.
Comment: This sequence change replaces alanine, which is neutral and non-polar, with threonine, which is neutral and polar, at codon 337 of the GRIA3 protein (p.Ala337Thr). This variant is not present in population databases (gnomAD no frequency). This variant has not been reported in the literature in individuals affected with GRIA3-related conditions. ClinVar contains an entry for this variant (Variation ID: 1794702). Advanced modeling of protein sequence and biophysical properties (such as structural, functional, and spatial information, amino acid conservation, physicochemical variation, residue mobility, and thermodynamic stability) performed at Invitae indicates that this missense variant is not expected to disrupt GRIA3 protein function with a negative predictive value of 80%. In summary, the available evidence is currently insufficient to determine the role of this variant in disease. Therefore, it has been classified as a Variant of Uncertain Significance.